The following is an entry in ClinVar:

NM_005732.4(RAD50):c.304T>C (p.Cys102Arg)

Gene: RAD50 (RAD50 double strand break repair protein; plus strand). Cytogenetic location: 5q31.1.
Variant type: single nucleotide variant.
Coding change: c.304T>C on transcript NM_005732.4 (MANE Select); coding-DNA position 304, T replaced by C.
Protein change: p.Cys102Arg; replaces cysteine 102 with arginine.
Molecular consequence: missense variant.
Genome position (GRCh38, 1-based): chr5:132,575,867, T>C. VCF-style: chr5-132575867-T-C. GRCh37 (hg19) VCF-style: chr5-131911559-T-C.
Other names: short protein forms C102R.
Identifiers: ClinVar variation 230887 (VCV000230887.5), dbSNP rs876658824, ClinGen allele CA10578485.

ClinVar aggregate classification (germline): Uncertain significance (1 of 4 stars; one submission).

Conditions:
Hereditary cancer-predisposing syndrome. Also called: Neoplastic Syndromes, Hereditary; Tumor predisposition; Hereditary Cancer Syndrome; Hereditary neoplastic syndrome. Identifiers: Orphanet 140162, MedGen C0027672, MeSH D009386, MONDO:0015356.

Allele frequency attached by ClinVar (database versions not stated): gnomAD exomes below 0.00001.
gnomAD v4.1: 1 of 1,609,196 alleles (0.000062%); highest among the groups gnomAD compares: Non-Finnish European, 0.000085%; no homozygotes.

Submission:

Ambry Genetics
Classification: Uncertain significance for Hereditary cancer-predisposing syndrome. Last evaluated: 2015-03-13. Review status: criteria provided, single submitter. Criteria: Ambry Variant Classification Scheme 2023. Collection method: clinical testing. Allele origin: germline.
Comment: The p.C102R variant (also known as c.304T>C), located in coding exon 3 of the RAD50 gene, results from a T to C substitution at nucleotide position 304. The cysteine at codon 102 is replaced by arginine, an amino acid with highly dissimilar properties. This variant was not reported in population based cohorts in the following databases: Database of Single Nucleotide Polymorphisms (dbSNP), NHLBI Exome Sequencing Project (ESP), and 1000 Genomes Project. In the ESP, this variant was not observed in 6503 samples (13006 alleles) with coverage at this position. To date, this alteration has been detected with an allele frequency of approximately 0.003% (greater than 40000 alleles tested) in our clinical cohort. This amino acid position is highly conserved in available vertebrate species. In addition, this alteration is predicted to be probably damaging and deleterious by PolyPhen and SIFT in silico analyses, respectively. Since supporting evidence is limited at this time, the clinical significance of p.C102R remains unclear.